The following is an entry in ClinVar:

ClinVar aggregate classification (germline): Uncertain significance (1 of 4 stars; one submission).

Allele frequency attached by ClinVar (database versions not stated): gnomAD exomes below 0.00001.

Submission:

Labcorp Genetics (formerly Invitae), Labcorp
Classification: Uncertain significance. Last evaluated: 2021-06-24. Review status: criteria provided, single submitter. Criteria: Invitae Variant Classification Sherloc (09022015). Collection method: clinical testing. Allele origin: germline.
Comment: In summary, the available evidence is currently insufficient to determine the role of this variant in disease. Therefore, it has been classified as a Variant of Uncertain Significance. Algorithms developed to predict the effect of missense changes on protein structure and function are either unavailable or do not agree on the potential impact of this missense change (SIFT: "Not Available"; PolyPhen-2: "Benign"; Align-GVGD: "Not Available"). This variant has been observed in individual(s) with retinitis pigmentosa (Invitae). This variant is not present in population databases (ExAC no frequency). This sequence change replaces serine with proline at codon 9 of the GUCA1A protein (p.Ser9Pro). The serine residue is moderately conserved and there is a moderate physicochemical difference between serine and proline.

NM_001384910.1(GUCA1A):c.25T>C (p.Ser9Pro)

Genes: GUCA1A (guanylate cyclase activator 1A; plus strand), GUCA1ANB-GUCA1A (GUCA1ANB-GUCA1A readthrough; plus strand). Cytogenetic location: 6p21.1.
Variant type: single nucleotide variant.
Coding change: c.25T>C on transcript NM_001384910.1 (MANE Select); coding-DNA position 25, T replaced by C.
Protein change: p.Ser9Pro; replaces serine 9 with proline.
Molecular consequence: missense variant.
Genome position (GRCh38, 1-based): chr6:42,173,638, T>C. VCF-style: chr6-42173638-T-C. GRCh37 (hg19) VCF-style: chr6-42141376-T-C.
Other names: c.25T>C, p.Ser9Pro (NM_000409.5, NM_001319061.2, NM_001319062.2); short protein forms S9P.
Identifiers: ClinVar variation 1363765 (VCV001363765.8), dbSNP rs1385506999, ClinGen allele CA364105041.